The following is an entry in ClinVar:

ClinVar aggregate classification (germline): not provided (0 of 4 stars; one submission).

Allele frequency attached by ClinVar (database versions not stated): TOPMed 0.00023; gnomAD 0.00024 and 0.00026.

Submission:

Human Evolutionary Genetics, Institut Pasteur
No classification provided. Review status: no classification provided. Collection method: not provided. Allele origin: germline.
ClinVar note: Converted during submission from untested to not provided.

NM_176810.2(NLRP13):c.2112-208G>A

Gene: NLRP13 (NLR family pyrin domain containing 13; minus strand). Cytogenetic location: 19q13.43.
Variant type: single nucleotide variant.
Coding change: c.2112-208G>A on transcript NM_176810.2 (MANE Select); 208 bases into the intron before coding-DNA position 2112, G replaced by A.
Molecular consequence: intron variant.
Genome position (GRCh38, 1-based): chr19:55,910,941, C>T on the plus strand (G>A on the coding strand, the complement: NLRP13 is on the minus strand). VCF-style: chr19-55910941-C-T. GRCh37 (hg19) VCF-style: chr19-56422307-C-T.
Other names: c.2112-208G>A (NM_001321057.1).
Identifiers: ClinVar variation 103307 (VCV000103307.2), dbSNP rs199476254, ClinGen allele CA230395.